The following is an entry in ClinVar:

ClinVar aggregate classification (germline): Likely benign. Review status: criteria provided, multiple submitters, no conflicts (2 of 4 stars). 2 submissions from 2 submitters: Likely benign (2). Last evaluated 2026-08-01.

Allele frequency attached by ClinVar (database versions not stated): 1000 Genomes Project 30x 0.00062; 1000 Genomes Project 0.00080; TOPMed 0.00110; ESP Exome Variant Server 0.00123; ExAC 0.00239; gnomAD 0.00240.
gnomAD v4.1: 2,633 of 1,613,774 alleles (0.16%); highest among the groups gnomAD compares: Non-Finnish European, 0.12%; 7 homozygotes.

Submissions (2):

CeGaT Center for Human Genetics Tuebingen
Classification: Likely benign. Last evaluated: 2026-08-01. Review status: criteria provided, single submitter. Criteria: CeGaT Center For Human Genetics Tuebingen Variant Classification Criteria Version 2. Collection method: clinical testing. Allele origin: germline. Affected: yes. Observed: 3 variant alleles.
Comment: TMX2: BP4

Blueprint Genetics
Classification: Likely benign. Last evaluated: 2024-11-19. Review status: criteria provided, single submitter. Criteria: ACMG Guidelines, 2015. Collection method: clinical testing. Allele origin: germline.

NM_015959.4(TMX2):c.745-6G>A

Genes: TMX2 (thioredoxin related transmembrane protein 2; plus strand), TMX2-CTNND1 (TMX2-CTNND1 readthrough (NMD candidate); plus strand). Cytogenetic location: 11q12.1.
Variant type: single nucleotide variant.
Coding change: c.745-6G>A on transcript NM_015959.4 (MANE Select); 6 bases into the intron before coding-DNA position 745, G replaced by A.
Molecular consequence: intron variant.
Genome position (GRCh38, 1-based): chr11:57,740,093, G>A. VCF-style: chr11-57740093-G-A. GRCh37 (hg19) VCF-style: chr11-57507565-G-A.
Other names: c.484-6G>A (NM_001347893.2); c.463-6G>A (NM_001347894.2, NM_001347896.2, NM_001347895.2); c.766-6G>A (NM_001347890.2); c.*38-6G>A (NM_001347898.2); c.631-6G>A (NM_001144012.3); c.661-6G>A (NM_001347891.2); c.538-6G>A (NM_001347892.2).
Identifiers: ClinVar variation 3239016 (VCV003239016.20), dbSNP rs200104273.